The following is an entry in ClinVar:

NM_032830.3(UTP4):c.1002+6T>C

Gene: UTP4 (UTP4 small subunit processome component). Cytogenetic location: 16q22.1.
Variant type: single nucleotide variant.
Coding change: c.1002+6T>C on transcript NM_032830.3 (MANE Select); 6 bases into the intron after coding-DNA position 1002, T replaced by C.
Molecular consequence: intron variant.
Genome position (GRCh38, 1-based): chr16:69,150,910, T>C. VCF-style: chr16-69150910-T-C. GRCh37 (hg19) VCF-style: chr16-69184813-T-C.
Other names: c.753+6T>C (NM_001318391.2).
Identifiers: ClinVar variation 3029369 (VCV003029369.2), dbSNP rs766637431, ClinGen allele CA8132243.

ClinVar aggregate classification (germline): Likely benign (0 of 4 stars; one submission).

Conditions:
UTP4-related disorder. Also called: UTP4-related condition.

Allele frequency attached by ClinVar (database versions not stated): TOPMed below 0.00001; gnomAD exomes 0.00001; ExAC 0.00002; gnomAD 0.00002.
gnomAD v4.1: 22 of 1,607,874 alleles (0.0014%); highest among the groups gnomAD compares: East Asian, 0.042%; no homozygotes.

Submission:

PreventionGenetics, part of Exact Sciences
Classification: Likely benign for UTP4-related condition. Last evaluated: 2021-08-31. Review status: no assertion criteria provided. Collection method: clinical testing. Allele origin: germline.
Comment: This variant is classified as likely benign based on ACMG/AMP sequence variant interpretation guidelines (Richards et al. 2015 PMID: 25741868, with internal and published modifications).